The following is an entry in ClinVar:

ClinVar aggregate classification (germline): Uncertain significance. Review status: criteria provided, multiple submitters, no conflicts (2 of 4 stars). 2 submissions from 2 submitters: Uncertain significance (2). Last evaluated 2024-03-30.

Conditions:
MHC class II deficiency. Also called: Bare lymphocyte syndrome 2; BLS, TYPE II. Identifiers: Orphanet 572, MedGen C5447452, MONDO:0008855.

Allele frequency attached by ClinVar (database versions not stated): gnomAD 0.00001; TOPMed 0.00002; ExAC 0.00004; gnomAD exomes 0.00004.
gnomAD v4.1: 39 of 1,613,964 alleles (0.0024%); highest among the groups gnomAD compares: South Asian, 0.02%; no homozygotes.

Submissions (2):

Ambry Genetics
Classification: Uncertain significance. Last evaluated: 2024-03-30. Review status: criteria provided, single submitter. Criteria: Ambry Variant Classification Scheme 2023. Collection method: clinical testing. Allele origin: germline.

Labcorp Genetics (formerly Invitae), Labcorp
Classification: Uncertain significance for MHC class II deficiency. Last evaluated: 2022-07-15. Review status: criteria provided, single submitter. Criteria: Invitae Variant Classification Sherloc (09022015). Collection method: clinical testing. Allele origin: germline.
Comment: This sequence change replaces proline, which is neutral and non-polar, with alanine, which is neutral and non-polar, at codon 403 of the RFX5 protein (p.Pro403Ala). This variant is present in population databases (rs760699089, gnomAD 0.02%). This variant has not been reported in the literature in individuals affected with RFX5-related conditions. ClinVar contains an entry for this variant (Variation ID: 962894). Algorithms developed to predict the effect of missense changes on protein structure and function are either unavailable or do not agree on the potential impact of this missense change (SIFT: "Deleterious"; PolyPhen-2: "Benign"; Align-GVGD: "Class C0"). In summary, the available evidence is currently insufficient to determine the role of this variant in disease. Therefore, it has been classified as a Variant of Uncertain Significance.

NM_001025603.2(RFX5):c.1207C>G (p.Pro403Ala)

Gene: RFX5 (regulatory factor X5; minus strand). Cytogenetic location: 1q21.3.
Variant type: single nucleotide variant.
Coding change: c.1207C>G on transcript NM_001025603.2 (MANE Select); coding-DNA position 1207, C replaced by G.
Protein change: p.Pro403Ala; replaces proline 403 with alanine.
Molecular consequence: missense variant.
Genome position (GRCh38, 1-based): chr1:151,342,830, G>C on the plus strand (C>G on the coding strand, the complement: RFX5 is on the minus strand). VCF-style: chr1-151342830-G-C. GRCh37 (hg19) VCF-style: chr1-151315306-G-C.
Other names: c.1207C>G, p.Pro403Ala (NM_000449.4, NM_001379412.1, NM_001379413.1 and 5 more transcripts); c.1087C>G, p.Pro363Ala (NM_001379419.1, NM_001379420.1); short protein forms P363A, P403A.
Identifiers: ClinVar variation 962894 (VCV000962894.8), dbSNP rs760699089, ClinGen allele CA1089642.